The following is an entry in ClinVar:

NM_000435.3(NOTCH3):c.3893G>T (p.Cys1298Phe)

Gene: NOTCH3 (notch receptor 3; minus strand). Cytogenetic location: 19p13.12.
Variant type: single nucleotide variant.
Coding change: c.3893G>T on transcript NM_000435.3 (MANE Select); coding-DNA position 3893, G replaced by T.
Protein change: p.Cys1298Phe; replaces cysteine 1298 with phenylalanine.
Molecular consequence: missense variant.
Genome position (GRCh38, 1-based): chr19:15,178,035, C>A on the plus strand (G>T on the coding strand, the complement: NOTCH3 is on the minus strand). VCF-style: chr19-15178035-C-A. GRCh37 (hg19) VCF-style: chr19-15288846-C-A.
Other names: p.Cys1298Phe; short protein forms C1298F.
Identifiers: ClinVar variation 987267 (VCV000987267.7), dbSNP rs2046807248, ClinGen allele CA404506515.

ClinVar aggregate classification (germline): Conflicting classifications of pathogenicity. Review status: criteria provided, conflicting classifications (1 of 4 stars). 4 submissions from 4 submitters: Likely pathogenic (2); Uncertain significance (2). Last evaluated 2025-11-04.

Allele frequency attached by ClinVar (database versions not stated): gnomAD exomes below 0.00001.
gnomAD v4.1: 1 of 1,512,392 alleles (0.000066%); highest among the groups gnomAD compares: Non-Finnish European, 0.000088%; no homozygotes.

Submissions (4):

Women's Health and Genetics/Laboratory Corporation of America, LabCorp
Classification: Uncertain significance. Last evaluated: 2025-11-04. Review status: criteria provided, single submitter. Criteria: LabCorp Variant Classification Summary - May 2015. Collection method: clinical testing. Allele origin: germline.
Comment: Variant summary: NOTCH3 c.3893G>T (p.Cys1298Phe) results in a non-conservative amino acid change in the encoded protein sequence. Algorithms developed to predict the effect of missense changes on protein structure and function all suggest that this variant is likely to be disruptive. The variant was absent in 105780 control chromosomes. c.3893G>T has been observed in the presumed heterozygous state in at least 2 individual(s) affected with Cerebral arteriopathy, autosomal dominant, with subcortical infarcts and leukoencephalopathy, type 1 (example, Rinnoci_2013, Pradotto_2016, Bianchi_2015). The variant was also observed in a child with various non-CADASIL abnormalities tested by trio exome sequencing without strong evidence for causality (example, Schmidt_2024). These data indicate that the variant may be associated with disease. To our knowledge, no experimental evidence demonstrating an impact on protein function has been reported. The following publications have been ascertained in the context of this evaluation (PMID: 37295172, 38790158, 23639391, 25344745, 39039281, 29780132, 32457593, 36535904, 24844136, 27830070). ClinVar contains an entry for this variant (Variation ID: 987267). Based on the evidence outlined above, the variant was classified as VUS-possibly pathogenic.

Labcorp Genetics (formerly Invitae), Labcorp
Classification: Uncertain significance. Last evaluated: 2024-12-09. Review status: criteria provided, single submitter. Criteria: Invitae Variant Classification Sherloc (09022015). Collection method: clinical testing. Allele origin: germline.
Comment: This sequence change replaces cysteine, which is neutral and slightly polar, with phenylalanine, which is neutral and non-polar, at codon 1298 of the NOTCH3 protein (p.Cys1298Phe). This variant is not present in population databases (gnomAD no frequency). This missense change has been observed in individual(s) with clinical features of cerebral arteriopathy with subcortical infarcts and leukoencephalopathy 1 (PMID: 23639391, 27830070). ClinVar contains an entry for this variant (Variation ID: 987267). Invitae Evidence Modeling of protein sequence and biophysical properties (such as structural, functional, and spatial information, amino acid conservation, physicochemical variation, residue mobility, and thermodynamic stability) indicates that this missense variant is expected to disrupt NOTCH3 protein function with a positive predictive value of 95%. In summary, the available evidence is currently insufficient to determine the role of this variant in disease. Therefore, it has been classified as a Variant of Uncertain Significance.

Mayo Clinic Laboratories, Mayo Clinic
Classification: Likely pathogenic. Last evaluated: 2023-04-10. Review status: criteria provided, single submitter. Criteria: ACMG Guidelines, 2015. Collection method: clinical testing. Allele origin: germline. Observed: 1 variant allele.
Comment: PP2, PP3, PP4, PM1, PM2_moderate, PS4_moderate

Institute of Medical Genetics and Applied Genomics, University Hospital Tübingen
Classification: Likely pathogenic. Last evaluated: 2020-10-23. Review status: criteria provided, single submitter. Criteria: ACMG Guidelines, 2015. Collection method: clinical testing. Allele origin: germline. Inheritance: Unknown mechanism. Affected: yes.

Literature cited by the submitters: PubMed 32457593 (cited by Women's Health and Genetics/Laboratory Corporation of America, LabCorp); PubMed 25344745 (cited by Women's Health and Genetics/Laboratory Corporation of America, LabCorp and Mayo Clinic Laboratories, Mayo Clinic); PubMed 39039281 (cited by Women's Health and Genetics/Laboratory Corporation of America, LabCorp); PubMed 36535904 (cited by Women's Health and Genetics/Laboratory Corporation of America, LabCorp); PubMed 24844136 (cited by Women's Health and Genetics/Laboratory Corporation of America, LabCorp); PubMed 37295172 (cited by Women's Health and Genetics/Laboratory Corporation of America, LabCorp); PubMed 38790158 (cited by Women's Health and Genetics/Laboratory Corporation of America, LabCorp); PubMed 29780132 (cited by Women's Health and Genetics/Laboratory Corporation of America, LabCorp and Mayo Clinic Laboratories, Mayo Clinic); PubMed 27830070 (cited by 3 submitters); PubMed 23639391 (cited by 3 submitters); PubMed 26856460 (cited by Mayo Clinic Laboratories, Mayo Clinic).